The following is an entry in ClinVar:

NM_005476.7(GNE):c.1571C>A (p.Ala524Glu)

Gene: GNE (glucosamine (UDP-N-acetyl)-2-epimerase/N-acetylmannosamine kinase; minus strand). Cytogenetic location: 9p13.3.
Variant type: single nucleotide variant.
Coding change: c.1571C>A on transcript NM_005476.7 (MANE Select); coding-DNA position 1571, C replaced by A.
Protein change: p.Ala524Glu; replaces alanine 524 with glutamic acid.
Molecular consequence: missense variant. On other transcripts: intron variant (1).
Genome position (GRCh38, 1-based): chr9:36,222,839, G>T on the plus strand (C>A on the coding strand, the complement: GNE is on the minus strand). VCF-style: chr9-36222839-G-T. GRCh37 (hg19) VCF-style: chr9-36222836-G-T.
Other names: c.1664C>A, p.Ala555Glu (NM_001128227.3); c.1241C>A, p.Ala414Glu (NM_001190384.3); c.1394C>A, p.Ala465Glu (NM_001190388.2, NM_001374798.1); c.1418C>A, p.Ala473Glu (NM_001374797.1); c.1411+534C>A (NM_001190383.3); short protein forms A524E, A414E, A465E, A473E, A555E.
Identifiers: ClinVar variation 4788870 (VCV004788870.3).
Genomic context (GRCh38, chr9:36,222,839, plus strand): 5'-GTGCCTGTGATAAGTGTAACAAAGTTTTCCAGTCCCTTTCCTTGGCCAAATTTCCTTTCC[G>T]CCAGGGCAGCACAGTTGCCATCATTGTCTACCCACACAGGGAGATGCAAAGTGTCAGAAA-3'
Protein context (NP_005467.1, residues 514-534): VDNDGNCAAL[Ala524Glu]ERKFGQGKGL

ClinVar aggregate classification (germline): Conflicting classifications of pathogenicity. Review status: criteria provided, conflicting classifications (1 of 4 stars). 3 submissions from 3 submitters: Likely pathogenic (1); Uncertain significance (2). Last evaluated 2026-04-09.

Conditions:
Sialuria. Also called: SIALURIA, FRENCH TYPE; Sialic Acid Storage Disease. Identifiers: Orphanet 3166, MedGen C0342853, MONDO:0010028, OMIM 269921.
GNE myopathy (NM). Also called: NONAKA DISTAL MYOPATHY; MYOPATHY, DISTAL, WITH OR WITHOUT RIMMED VACUOLES; IBM 2; Inclusion body myopathy autosomal recessive; Inclusion body myopathy quadriceps sparing; INCLUSION BODY MYOPATHY, HEREDITARY, AUTOSOMAL RECESSIVE. Identifiers: Orphanet 602, MedGen C1853926, MONDO:0011603, OMIM 605820.

Submissions (3):

Myriad Genetics, Inc.
Classification: Likely pathogenic for GNE myopathy. Last evaluated: 2026-04-09. Review status: criteria provided, single submitter. Criteria: Myriad Autosomal Dominant, Autosomal Recessive and X-Linked Classification Criteria (2023). Collection method: clinical testing. Allele origin: unknown.
Comment: NM_001128227.2(GNE):c.1664C>A(A555E) is a missense variant classified as likely pathogenic in the context of GNE myopathy. A555E has been observed in a case with relevant disease (PMID: 38691167). Relevant functional assessments of this variant are not available in the literature. Internal structural analysis of the variant is supportive of pathogenicity. A555E has not been observed in referenced population frequency databases. In summary, NM_001128227.2(GNE):c.1664C>A(A555E) is a missense variant that has internal structural support for pathogenicity and has been observed more frequently in cases with the relevant disease than in healthy populations. Please note: this variant was assessed in the context of healthy population screening.

Labcorp Genetics (formerly Invitae), Labcorp
Classification: Uncertain significance for Sialuria; GNE myopathy. Last evaluated: 2025-08-25. Review status: criteria provided, single submitter. Criteria: Invitae Variant Classification Sherloc (09022015). Collection method: clinical testing. Allele origin: germline.
Comment: This sequence change replaces alanine, which is neutral and non-polar, with glutamic acid, which is acidic and polar, at codon 555 of the GNE protein (p.Ala555Glu). This variant is present in population databases (rs764698870, gnomAD 0.0009%). This variant has not been reported in the literature in individuals affected with GNE-related conditions. Invitae Evidence Modeling of protein sequence and biophysical properties (such as structural, functional, and spatial information, amino acid conservation, physicochemical variation, residue mobility, and thermodynamic stability) has been performed for this missense variant. However, the output from this modeling did not meet the statistical confidence thresholds required to predict the impact of this variant on GNE protein function. This variant disrupts the p.Ala555 amino acid residue in GNE. Other variant(s) that disrupt this residue have been determined to be pathogenic (PMID: 14707127, 16810679, 23549799). This suggests that this residue is clinically significant, and that variants that disrupt this residue are likely to be disease-causing. In summary, the available evidence is currently insufficient to determine the role of this variant in disease. Therefore, it has been classified as a Variant of Uncertain Significance.

Blueprint Genetics
Classification: Uncertain significance. Last evaluated: 2024-07-04. Review status: criteria provided, single submitter. Criteria: ACMG Guidelines, 2015. Collection method: clinical testing. Allele origin: germline.

Literature cited by the submitters: PubMed 38691167 (cited by Myriad Genetics, Inc.); PubMed 14707127 (cited by Labcorp Genetics (formerly Invitae), Labcorp); PubMed 16810679 (cited by Labcorp Genetics (formerly Invitae), Labcorp); PubMed 23549799 (cited by Labcorp Genetics (formerly Invitae), Labcorp).